The following is an entry in ClinVar:

NM_005732.4(RAD50):c.683C>T (p.Thr228Ile)

Gene: RAD50 (RAD50 double strand break repair protein; plus strand). Cytogenetic location: 5q31.1.
Variant type: single nucleotide variant.
Coding change: c.683C>T on transcript NM_005732.4 (MANE Select); coding-DNA position 683, C replaced by T.
Protein change: p.Thr228Ile; replaces threonine 228 with isoleucine.
Molecular consequence: missense variant.
Genome position (GRCh38, 1-based): chr5:132,579,993, C>T. VCF-style: chr5-132579993-C-T. GRCh37 (hg19) VCF-style: chr5-131915685-C-T.
Other names: short protein forms T228I.
Identifiers: ClinVar variation 3942170 (VCV003942170.1).
Genomic context (GRCh38, chr5:132,579,993, plus strand): 5'-TGGAACTAAAATATCTGAAGCAATATAAGGAAAAAGCTTGTGAGATTCGTGATCAGATTA[C>T]AAGTAAGGAAGCCCAGTTAACATCTTCAAAGGAAATTGTCAAATCCTATGAGAATGAACT-3'
Protein context (NP_005723.2, residues 218-238): EKACEIRDQI[Thr228Ile]SKEAQLTSSK

ClinVar aggregate classification (germline): Uncertain significance (1 of 4 stars; one submission).

Conditions:
Hereditary cancer-predisposing syndrome. Also called: Tumor predisposition; Hereditary neoplastic syndrome; Hereditary Cancer Syndrome; Neoplastic Syndromes, Hereditary. Identifiers: Orphanet 140162, MedGen C0027672, MeSH D009386, MONDO:0015356.

gnomAD v4.1: 1 of 1,613,324 alleles (0.000062%); highest among the groups gnomAD compares: Non-Finnish European, 0.000085%; no homozygotes.

Submission:

Ambry Genetics
Classification: Uncertain significance for Hereditary cancer-predisposing syndrome. Last evaluated: 2025-04-18. Review status: criteria provided, single submitter. Criteria: Ambry Variant Classification Scheme 2023. Collection method: clinical testing. Allele origin: germline.
Comment: The p.T228I variant (also known as c.683C>T), located in coding exon 5 of the RAD50 gene, results from a C to T substitution at nucleotide position 683. The threonine at codon 228 is replaced by isoleucine, an amino acid with similar properties. This amino acid position is conserved. In addition, this alteration is predicted to be tolerated by in silico analysis. Based on the available evidence, the clinical significance of this variant remains unclear.